The following is an entry in ClinVar:

NM_001853.4(COL9A3):c.190A>G (p.Lys64Glu)

Gene: COL9A3 (collagen type IX alpha 3 chain; plus strand). Cytogenetic location: 20q13.33.
Variant type: single nucleotide variant.
Coding change: c.190A>G on transcript NM_001853.4 (MANE Select); coding-DNA position 190, A replaced by G.
Protein change: p.Lys64Glu; replaces lysine 64 with glutamic acid.
Molecular consequence: missense variant.
Genome position (GRCh38, 1-based): chr20:62,819,228, A>G. VCF-style: chr20-62819228-A-G. GRCh37 (hg19) VCF-style: chr20-61450580-A-G.
Other names: short protein forms K64E.
Identifiers: ClinVar variation 2119630 (VCV002119630.4), dbSNP rs1991038066, ClinGen allele CA409587499.

ClinVar aggregate classification (germline): Uncertain significance (1 of 4 stars; one submission).

Allele frequency attached by ClinVar (database versions not stated): gnomAD exomes below 0.00001.
gnomAD v4.1: 2 of 1,612,704 alleles (0.00012%); highest among the groups gnomAD compares: Non-Finnish European, 0.00017%; no homozygotes.

Submission:

Labcorp Genetics (formerly Invitae), Labcorp
Classification: Uncertain significance. Last evaluated: 2022-08-24. Review status: criteria provided, single submitter. Criteria: Invitae Variant Classification Sherloc (09022015). Collection method: clinical testing. Allele origin: germline.
Comment: This variant has not been reported in the literature in individuals affected with COL9A3-related conditions. This sequence change replaces lysine, which is basic and polar, with glutamic acid, which is acidic and polar, at codon 64 of the COL9A3 protein (p.Lys64Glu). This variant is not present in population databases (gnomAD no frequency). Advanced modeling of protein sequence and biophysical properties (such as structural, functional, and spatial information, amino acid conservation, physicochemical variation, residue mobility, and thermodynamic stability) performed at Invitae indicates that this missense variant is not expected to disrupt COL9A3 protein function. In summary, the available evidence is currently insufficient to determine the role of this variant in disease. Therefore, it has been classified as a Variant of Uncertain Significance.